The following is an entry in ClinVar:

ClinVar aggregate classification (germline): Uncertain significance. Review status: criteria provided, single submitter (1 of 4 stars). 2 submissions from 2 submitters: Uncertain significance (1). 1 of the submissions does not count toward it. Last evaluated 2025-02-12.

Allele frequency attached by ClinVar (database versions not stated): ExAC 0.00003; gnomAD 0.00003 and 0.00004; TOPMed 0.00003; gnomAD exomes 0.00006 and 0.00007.
gnomAD v4.1: 90 of 1,614,048 alleles (0.0056%); highest among the groups gnomAD compares: South Asian, 0.032%; no homozygotes.

Submissions (2):

Labcorp Genetics (formerly Invitae), Labcorp
Classification: Uncertain significance. Last evaluated: 2025-02-12. Review status: criteria provided, single submitter. Criteria: Invitae Variant Classification Sherloc (09022015). Collection method: clinical testing. Allele origin: germline.
Comment: This sequence change replaces arginine, which is basic and polar, with glutamine, which is neutral and polar, at codon 267 of the KRT1 protein (p.Arg267Gln). This variant is present in population databases (rs60359468, gnomAD 0.03%), and has an allele count higher than expected for a pathogenic variant. This variant has not been reported in the literature in individuals affected with KRT1-related conditions. ClinVar contains an entry for this variant (Variation ID: 66665). Invitae Evidence Modeling of protein sequence and biophysical properties (such as structural, functional, and spatial information, amino acid conservation, physicochemical variation, residue mobility, and thermodynamic stability) has been performed for this missense variant. However, the output from this modeling did not meet the statistical confidence thresholds required to predict the impact of this variant on KRT1 protein function. In summary, the available evidence is currently insufficient to determine the role of this variant in disease. Therefore, it has been classified as a Variant of Uncertain Significance.

Epithelial Biology;  Institute of Medical Biology, Singapore
No classification provided. Review status: no classification provided. Collection method: not provided. Allele origin: not provided. Not counted in ClinVar's aggregate classification.

NM_006121.4(KRT1):c.800G>A (p.Arg267Gln)

Gene: KRT1 (keratin 1; minus strand). Cytogenetic location: 12q13.13.
Variant type: single nucleotide variant.
Coding change: c.800G>A on transcript NM_006121.4 (MANE Select); coding-DNA position 800, G replaced by A.
Protein change: p.Arg267Gln; replaces arginine 267 with glutamine.
Molecular consequence: missense variant.
Genome position (GRCh38, 1-based): chr12:52,678,548, C>T on the plus strand (G>A on the coding strand, the complement: KRT1 is on the minus strand). VCF-style: chr12-52678548-C-T. GRCh37 (hg19) VCF-style: chr12-53072332-C-T.
Other names: short protein forms R267Q.
Identifiers: ClinVar variation 66665 (VCV000066665.2), dbSNP rs60359468, ClinGen allele CA217480.